The following is an entry in ClinVar:

NM_001130438.3(SPTAN1):c.1708G>T (p.Ala570Ser)

Gene: SPTAN1 (spectrin alpha, non-erythrocytic 1; plus strand). Cytogenetic location: 9q34.11.
Variant type: single nucleotide variant.
Coding change: c.1708G>T on transcript NM_001130438.3 (MANE Select); coding-DNA position 1708, G replaced by T.
Protein change: p.Ala570Ser; replaces alanine 570 with serine.
Molecular consequence: missense variant.
Genome position (GRCh38, 1-based): chr9:128,582,751, G>T. VCF-style: chr9-128582751-G-T. GRCh37 (hg19) VCF-style: chr9-131345030-G-T.
Other names: c.1708G>T, p.Ala570Ser (NM_001195532.2, NM_001363759.2, NM_001363765.2 and 10 more transcripts); c.1744G>T, p.Ala582Ser (NM_001375312.2, NM_001375318.1, NM_001438440.1); short protein forms A570S, A582S.
Identifiers: ClinVar variation 4801844 (VCV004801844.1).

ClinVar aggregate classification (germline): Uncertain significance (1 of 4 stars; one submission).

Conditions:
Early-infantile DEE. Also called: Early infantile epileptic encephalopathy; Early infantile epileptic encephalopathy with suppression bursts; Ohtahara syndrome. Identifiers: Orphanet 1934, MedGen C0393706, MONDO:0800491.

Submission:

Labcorp Genetics (formerly Invitae), Labcorp
Classification: Uncertain significance for Early-infantile DEE. Last evaluated: 2025-10-20. Review status: criteria provided, single submitter. Criteria: Invitae Variant Classification Sherloc (09022015). Collection method: clinical testing. Allele origin: germline.
Comment: This sequence change replaces alanine, which is neutral and non-polar, with serine, which is neutral and polar, at codon 570 of the SPTAN1 protein (p.Ala570Ser). This variant is not present in population databases (gnomAD no frequency). This variant has not been reported in the literature in individuals affected with SPTAN1-related conditions. Invitae Evidence Modeling of protein sequence and biophysical properties (such as structural, functional, and spatial information, amino acid conservation, physicochemical variation, residue mobility, and thermodynamic stability) has been performed for this missense variant. However, the output from this modeling did not meet the statistical confidence thresholds required to predict the impact of this variant on SPTAN1 protein function. In summary, the available evidence is currently insufficient to determine the role of this variant in disease. Therefore, it has been classified as a Variant of Uncertain Significance.